The following is an entry in ClinVar:

ClinVar aggregate classification (germline): Uncertain significance (1 of 4 stars; one submission).

Conditions:
Familial thoracic aortic aneurysm and aortic dissection (TAAD). Also called: Thoracic aortic aneurysms and dissections. Identifiers: Orphanet 91387, MedGen C4707243, MONDO:0019625.

Submission:

Ambry Genetics
Classification: Uncertain significance for Familial thoracic aortic aneurysm and aortic dissection. Last evaluated: 2026-06-22. Review status: criteria provided, single submitter. Criteria: Ambry Variant Classification Scheme 2023. Collection method: clinical testing. Allele origin: germline.
Comment: The p.H1862L variant (also known as c.5585A>T), located in coding exon 45 of the FBN1 gene, results from an A to T substitution at nucleotide position 5585. The histidine at codon 1862 is replaced by leucine, an amino acid with similar properties. This amino acid position is conserved. In addition, the in silico prediction for this alteration is inconclusive. Based on the available evidence, the clinical significance of this variant remains unclear.

NM_000138.5(FBN1):c.5585A>T (p.His1862Leu)

Gene: FBN1 (fibrillin 1; minus strand). Cytogenetic location: 15q21.1.
Variant type: single nucleotide variant.
Coding change: c.5585A>T on transcript NM_000138.5 (MANE Select); coding-DNA position 5585, A replaced by T.
Protein change: p.His1862Leu; replaces histidine 1862 with leucine.
Molecular consequence: missense variant.
Genome position (GRCh38, 1-based): chr15:48,448,854, T>A on the plus strand (A>T on the coding strand, the complement: FBN1 is on the minus strand). VCF-style: chr15-48448854-T-A. GRCh37 (hg19) VCF-style: chr15-48741051-T-A.
Other names: c.5585A>T, p.His1862Leu (NM_001406716.1); short protein forms H1862L.
Identifiers: ClinVar variation 5021572 (VCV005021572.1).